The following is an entry in ClinVar:

ClinVar aggregate classification (germline): Likely benign (1 of 4 stars; one submission).

Conditions:
Cystic fibrosis (CF). Also called: MUCOVISCIDOSIS. Identifiers: Orphanet 586, MedGen C0010674, MONDO:0009061, OMIM 219700. Disease mechanism: loss of function.

gnomAD v4.1: 2 of 152,160 alleles (0.0013%); highest among the groups gnomAD compares: Admixed American, 0.0065%; no homozygotes.

Submission:

Johns Hopkins Genomics, Johns Hopkins University
Classification: Likely benign for Cystic fibrosis. Last evaluated: 2024-04-10. Review status: criteria provided, single submitter. Criteria: ACMG Guidelines, 2015. Collection method: clinical testing. Allele origin: germline.
Comment: PM2, BP4, BP7

NM_000492.4(CFTR):c.1393-815A>G

Genes: CFTR (CF transmembrane conductance regulator; plus strand), CFTR-AS1 (CFTR antisense RNA 1; minus strand). Cytogenetic location: 7q31.2.
Variant type: single nucleotide variant.
Coding change: c.1393-815A>G on transcript NM_000492.4 (MANE Select); 815 bases into the intron before coding-DNA position 1393, A replaced by G.
Molecular consequence: intron variant.
Genome position (GRCh38, 1-based): chr7:117,558,649, A>G. VCF-style: chr7-117558649-A-G. GRCh37 (hg19) VCF-style: chr7-117198703-A-G.
Identifiers: ClinVar variation 4280009 (VCV004280009.1).